The following is an entry in ClinVar:

ClinVar aggregate classification (germline): Uncertain significance (1 of 4 stars; one submission).

Submission:

GeneDx
Classification: Uncertain significance. Last evaluated: 2025-09-10. Review status: criteria provided, single submitter. Criteria: GeneDx Variant Classification Process June 2021. Collection method: clinical testing. Allele origin: germline.
Comment: Not observed at significant frequency in large population cohorts (gnomAD); In-frame insertion of 1 amino acid in a non-repeat region; Has not been previously published as pathogenic or benign to our knowledge

NM_021224.6(ZNF462):c.279delinsCATA (p.Tyr93_Gly94insIle)

Gene: ZNF462 (zinc finger protein 462; plus strand). Cytogenetic location: 9q31.2.
Variant type: Indel.
Coding change: c.279delinsCATA on transcript NM_021224.6 (MANE Select); coding-DNA position 279, T replaced by CATA.
Protein change: p.Tyr93_Gly94insIle.
Molecular consequence: inframe insertion.
Genome position (GRCh38, 1-based): chr9:106,924,191, T replaced by CATA. VCF-style: chr9-106924191-T-CATA. GRCh37 (hg19) VCF-style: chr9-109686472-T-CATA.
Other names: c.279delinsCATA, p.Tyr93_Gly94insIle (NM_001347997.2).
Identifiers: ClinVar variation 3369137 (VCV003369137.2).